The following is an entry in ClinVar:

ClinVar aggregate classification (germline): Uncertain significance (1 of 4 stars; one submission).

Conditions:
Hereditary spastic paraplegia 11. Also called: Spastic Paraplegia 11; SPASTIC PARAPLEGIA, AUTOSOMAL RECESSIVE, COMPLICATED, WITH THIN CORPUS CALLOSUM; SPASTIC PARAPLEGIA, AUTOSOMAL RECESSIVE, WITH MENTAL IMPAIRMENT AND THIN CORPUS CALLOSUM; Spastic paraplegia, mental retardation and thin corpus callosum; Nakamura Osame syndrome; Autosomal recessive hereditary spastic paraplegia, mental impairment, and thin corpus callosum. Identifiers: Orphanet 2822, MedGen C1858479, MONDO:0011445, OMIM 604360.

Submission:

Labcorp Genetics (formerly Invitae), Labcorp
Classification: Uncertain significance for Hereditary spastic paraplegia 11. Last evaluated: 2020-02-27. Review status: criteria provided, single submitter. Criteria: Invitae Variant Classification Sherloc (09022015). Collection method: clinical testing. Allele origin: germline.
Comment: Algorithms developed to predict the effect of missense changes on protein structure and function are either unavailable or do not agree on the potential impact of this missense change (SIFT: "Deleterious"; PolyPhen-2: "Benign"; Align-GVGD: "Class C0"). Algorithms developed to predict the effect of sequence changes on RNA splicing suggest that this variant may create or strengthen a splice site, but this prediction has not been confirmed by published transcriptional studies. In summary, the available evidence is currently insufficient to determine the role of this variant in disease. Therefore, it has been classified as a Variant of Uncertain Significance. This variant has not been reported in the literature in individuals with SPG11-related conditions. This sequence change replaces methionine with arginine at codon 1089 of the SPG11 protein (p.Met1089Arg). The methionine residue is moderately conserved and there is a moderate physicochemical difference between methionine and arginine. This variant is not present in population databases (ExAC no frequency).

NM_025137.4(SPG11):c.3266T>G (p.Met1089Arg)

Gene: SPG11 (SPG11 vesicle trafficking associated, spatacsin; minus strand). Cytogenetic location: 15q21.1.
Variant type: single nucleotide variant.
Coding change: c.3266T>G on transcript NM_025137.4 (MANE Select); coding-DNA position 3266, T replaced by G.
Protein change: p.Met1089Arg; replaces methionine 1089 with arginine.
Molecular consequence: missense variant.
Genome position (GRCh38, 1-based): chr15:44,610,865, A>C on the plus strand (T>G on the coding strand, the complement: SPG11 is on the minus strand). VCF-style: chr15-44610865-A-C. GRCh37 (hg19) VCF-style: chr15-44903063-A-C.
Other names: c.3266T>G, p.Met1089Arg (NM_001160227.2); short protein forms M1089R.
Identifiers: ClinVar variation 1052396 (VCV001052396.9), dbSNP rs1291491649, ClinGen allele CA392226416.